The following is an entry in ClinVar:

NM_005245.4(FAT1):c.3879C>T (p.Asp1293=)

Gene: FAT1 (FAT atypical cadherin 1; minus strand). Cytogenetic location: 4q35.2.
Variant type: single nucleotide variant.
Coding change: c.3879C>T on transcript NM_005245.4 (MANE Select); coding-DNA position 3879, C replaced by T.
Protein change: p.Asp1293=; no amino-acid change (aspartic acid 1293 retained).
Molecular consequence: synonymous variant.
Genome position (GRCh38, 1-based): chr4:186,636,678, G>A on the plus strand (C>T on the coding strand, the complement: FAT1 is on the minus strand). VCF-style: chr4-186636678-G-A. GRCh37 (hg19) VCF-style: chr4-187557832-G-A.
Identifiers: ClinVar variation 3057690 (VCV003057690.2), dbSNP rs779121846, ClinGen allele CA3166878.

ClinVar aggregate classification (germline): Likely benign (0 of 4 stars; one submission).

Conditions:
FAT1-related disorder. Also called: FAT1-related condition.

Allele frequency attached by ClinVar (database versions not stated): gnomAD 0.00001; ExAC 0.00002; gnomAD exomes 0.00004.
gnomAD v4.1: 52 of 1,613,616 alleles (0.0032%); highest among the groups gnomAD compares: East Asian, 0.033%; no homozygotes.

Submission:

PreventionGenetics, part of Exact Sciences
Classification: Likely benign for FAT1-related condition. Last evaluated: 2019-04-25. Review status: no assertion criteria provided. Collection method: clinical testing. Allele origin: germline.
Comment: This variant is classified as likely benign based on ACMG/AMP sequence variant interpretation guidelines (Richards et al. 2015 PMID: 25741868, with internal and published modifications).